The following is an entry in ClinVar:

NM_000392.5(ABCC2):c.342T>G (p.Val114=)

Gene: ABCC2 (ATP binding cassette subfamily C member 2; plus strand). Cytogenetic location: 10q24.2.
Variant type: single nucleotide variant.
Coding change: c.342T>G on transcript NM_000392.5 (MANE Select); coding-DNA position 342, T replaced by G.
Protein change: p.Val114=; no amino-acid change (valine 114 retained).
Molecular consequence: synonymous variant.
Genome position (GRCh38, 1-based): chr10:99,793,559, T>G. VCF-style: chr10-99793559-T-G. GRCh37 (hg19) VCF-style: chr10-101553316-T-G.
Identifiers: ClinVar variation 3048008 (VCV003048008.2), dbSNP rs2492841569, ClinGen allele CA471122836.

ClinVar aggregate classification (germline): Likely benign (0 of 4 stars; one submission).

Conditions:
ABCC2-related disorder. Also called: ABCC2-related condition.

Submission:

PreventionGenetics, part of Exact Sciences
Classification: Likely benign for ABCC2-related condition. Last evaluated: 2022-07-13. Review status: no assertion criteria provided. Collection method: clinical testing. Allele origin: germline.
Comment: This variant is classified as likely benign based on ACMG/AMP sequence variant interpretation guidelines (Richards et al. 2015 PMID: 25741868, with internal and published modifications).